The following is an entry in ClinVar:

ClinVar aggregate classification (germline): Conflicting classifications of pathogenicity. Review status: criteria provided, conflicting classifications (1 of 4 stars). 2 submissions from 2 submitters: Uncertain significance (1); Likely benign (1). Last evaluated 2022-10-26.

Conditions:
Inborn genetic diseases. Identifiers: MedGen C0950123, MeSH D030342.
Aicardi-Goutieres syndrome 5. Identifiers: Orphanet 51, MedGen C2749659, MONDO:0013059, OMIM 612952.

Allele frequency attached by ClinVar (database versions not stated): gnomAD exomes below 0.00001; TOPMed below 0.00001; gnomAD 0.00001.
gnomAD v4.1: 7 of 1,613,784 alleles (0.00043%); highest among the groups gnomAD compares: Non-Finnish European, 0.00042%; no homozygotes.

Submissions (2):

Ambry Genetics
Classification: Likely benign for Inborn genetic diseases. Last evaluated: 2022-10-26. Review status: criteria provided, single submitter. Criteria: Ambry Variant Classification Scheme 2023. Collection method: clinical testing. Allele origin: germline.

Labcorp Genetics (formerly Invitae), Labcorp
Classification: Uncertain significance for Aicardi-Goutieres syndrome 5. Last evaluated: 2022-07-25. Review status: criteria provided, single submitter. Criteria: Invitae Variant Classification Sherloc (09022015). Collection method: clinical testing. Allele origin: germline.
Comment: This sequence change replaces lysine, which is basic and polar, with arginine, which is basic and polar, at codon 486 of the SAMHD1 protein (p.Lys486Arg). This variant is not present in population databases (gnomAD no frequency). This variant has not been reported in the literature in individuals affected with SAMHD1-related conditions. Algorithms developed to predict the effect of missense changes on protein structure and function output the following: SIFT: "Tolerated"; PolyPhen-2: "Benign"; Align-GVGD: "Class C0". The arginine amino acid residue is found in multiple mammalian species, which suggests that this missense change does not adversely affect protein function. In summary, the available evidence is currently insufficient to determine the role of this variant in disease. Therefore, it has been classified as a Variant of Uncertain Significance.

NM_015474.4(SAMHD1):c.1457A>G (p.Lys486Arg)

Gene: SAMHD1 (SAM and HD domain containing deoxynucleoside triphosphate triphosphohydrolase 1; minus strand). Cytogenetic location: 20q11.23.
Variant type: single nucleotide variant.
Coding change: c.1457A>G on transcript NM_015474.4 (MANE Select); coding-DNA position 1457, A replaced by G.
Protein change: p.Lys486Arg; replaces lysine 486 with arginine.
Molecular consequence: missense variant.
Genome position (GRCh38, 1-based): chr20:36,904,203, T>C on the plus strand (A>G on the coding strand, the complement: SAMHD1 is on the minus strand). VCF-style: chr20-36904203-T-C. GRCh37 (hg19) VCF-style: chr20-35532606-T-C.
Other names: c.1457A>G, p.Lys486Arg (NM_001363729.2, NM_001363733.2); short protein forms K486R.
Identifiers: ClinVar variation 2319935 (VCV002319935.5), dbSNP rs1399199211, ClinGen allele CA408841214.